The following is an entry in ClinVar:

NM_007373.4(SHOC2):c.509A>C (p.Lys170Thr)

Gene: SHOC2 (SHOC2 leucine rich repeat scaffold protein; plus strand). Cytogenetic location: 10q25.2.
Variant type: single nucleotide variant.
Coding change: c.509A>C on transcript NM_007373.4 (MANE Select); coding-DNA position 509, A replaced by C.
Protein change: p.Lys170Thr; replaces lysine 170 with threonine.
Molecular consequence: missense variant. On other transcripts: 5 prime UTR variant (1), non-coding transcript variant (1), intron variant (3).
Genome position (GRCh38, 1-based): chr10:110,964,867, A>C. VCF-style: chr10-110964867-A-C. GRCh37 (hg19) VCF-style: chr10-112724625-A-C.
Other names: c.509A>C, p.Lys170Thr (NM_001269039.3, NM_001324336.2, NM_001324337.2 and 4 more transcripts); c.-278A>C (NM_001441188.1); c.-380-20761A>C (NM_001441190.1); c.-249-20761A>C (NM_001441191.1); c.-242-35548A>C (NM_001441189.1); short protein forms K170T.
Identifiers: ClinVar variation 4745427 (VCV004745427.1).
Genomic context (GRCh38, chr10:110,964,867, plus strand): 5'-CACTGGCTCTAAGTGAAAATTCACTTACCAGTTTGCCTGACTCTCTTGATAACTTGAAGA[A>C]GCTGCGGATGCTTGATTTACGGCATAATAAACTGAGAGAAATTCCTTCAGTGGTGTATAG-3'
Protein context (NP_031399.2, residues 160-180): SLPDSLDNLK[Lys170Thr]LRMLDLRHNK

ClinVar aggregate classification (germline): Uncertain significance (1 of 4 stars; one submission).

Conditions:
RASopathy. Also called: Noonan spectrum disorder; rasopathies. Identifiers: Orphanet 536391, MedGen C5555857, MONDO:0021060.

Submission:

Labcorp Genetics (formerly Invitae), Labcorp
Classification: Uncertain significance for RASopathy. Last evaluated: 2025-12-29. Review status: criteria provided, single submitter. Criteria: Invitae Variant Classification Sherloc (09022015). Collection method: clinical testing. Allele origin: germline.
Comment: This sequence change replaces lysine, which is basic and polar, with threonine, which is neutral and polar, at codon 170 of the SHOC2 protein (p.Lys170Thr). This variant is not present in population databases (gnomAD no frequency). This variant has not been reported in the literature in individuals affected with SHOC2-related conditions. Invitae Evidence Modeling of protein sequence and biophysical properties (such as structural, functional, and spatial information, amino acid conservation, physicochemical variation, residue mobility, and thermodynamic stability) indicates that this missense variant is not expected to disrupt SHOC2 protein function with a negative predictive value of 80%. In summary, the available evidence is currently insufficient to determine the role of this variant in disease. Therefore, it has been classified as a Variant of Uncertain Significance.